The following is an entry in ClinVar:

ClinVar aggregate classification (germline): Conflicting classifications of pathogenicity. Review status: criteria provided, conflicting classifications (1 of 4 stars). 4 submissions from 4 submitters: Uncertain significance (1); Likely benign (3). Last evaluated 2025-10-03.

Conditions:
Inborn genetic diseases. Identifiers: MedGen C0950123, MeSH D030342.

Allele frequency attached by ClinVar (database versions not stated): gnomAD exomes 0.00002; ExAC 0.00009; gnomAD 0.00019; TOPMed 0.00030; ESP Exome Variant Server 0.00062.
gnomAD v4.1: 64 of 1,606,010 alleles (0.004%); highest among the groups gnomAD compares: African/African-American, 0.079%; no homozygotes.

Submissions (4):

Women's Health and Genetics/Laboratory Corporation of America, LabCorp
Classification: Likely benign. Last evaluated: 2025-10-03. Review status: criteria provided, single submitter. Criteria: LabCorp Variant Classification Summary - May 2015. Collection method: clinical testing. Allele origin: germline.
Comment: Variant summary: NOTCH3 c.191C>A (p.Ala64Asp) results in a non-conservative amino acid change in the encoded protein sequence. Algorithms developed to predict the effect of missense changes on protein structure and function all suggest that this variant is likely to be disruptive. The variant allele was found at a frequency of 6.2e-05 in 243168 control chromosomes, predominantly at a frequency of 0.00093 within the African or African-American subpopulation in the gnomAD database. The observed variant frequency within African or African-American control individuals in the gnomAD database exceeds the estimated maximal expected allele frequency for disease-causing variants in NOTCH3. To our knowledge, no occurrence of c.191C>A in individuals affected with NOTCH3-related conditions and no experimental evidence demonstrating its impact on protein function have been reported. ClinVar contains an entry for this variant (Variation ID: 1967306). Based on the evidence outlined above, the variant was classified as likely benign.

Labcorp Genetics (formerly Invitae), Labcorp
Classification: Likely benign. Last evaluated: 2025-03-06. Review status: criteria provided, single submitter. Criteria: Invitae Variant Classification Sherloc (09022015). Collection method: clinical testing. Allele origin: germline.

Ambry Genetics
Classification: Uncertain significance for Inborn genetic diseases. Last evaluated: 2024-05-08. Review status: criteria provided, single submitter. Criteria: Ambry Variant Classification Scheme 2023. Collection method: clinical testing. Allele origin: germline.

Blueprint Genetics
Classification: Likely benign. Last evaluated: 2021-05-25. Review status: criteria provided, single submitter. Criteria: ACMG Guidelines, 2015. Collection method: clinical testing. Allele origin: germline.

NM_000435.3(NOTCH3):c.191C>A (p.Ala64Asp)

Gene: NOTCH3 (notch receptor 3; minus strand). Cytogenetic location: 19p13.12.
Variant type: single nucleotide variant.
Coding change: c.191C>A on transcript NM_000435.3 (MANE Select); coding-DNA position 191, C replaced by A.
Protein change: p.Ala64Asp; replaces alanine 64 with aspartic acid.
Molecular consequence: missense variant.
Genome position (GRCh38, 1-based): chr19:15,197,506, G>T on the plus strand (C>A on the coding strand, the complement: NOTCH3 is on the minus strand). VCF-style: chr19-15197506-G-T. GRCh37 (hg19) VCF-style: chr19-15308317-G-T.
Other names: c.191C>A (NM_000435.2); short protein forms A64D.
Identifiers: ClinVar variation 1967306 (VCV001967306.8), dbSNP rs148932488, ClinGen allele CA9263975.
Genomic context (GRCh38, chr19:15,197,506, plus strand): 5'-TCCCCCCCGCCCCCACACACAGGGCCCACTGGTGGCTCTGAGCCAGGCACTCACAGGCAG[G>T]CAGCCTCCCGGGAGGGCAGCTGGGTGCAACGACCTCCATTTGCACACGGGCTTCCGTCCA-3'
Protein context (NP_000426.2, residues 54-74): RCTQLPSREA[Ala64Asp]CLCPPGWVGE